The following is an entry in ClinVar:

NM_000051.4(ATM):c.3216del (p.Val1073fs)

Gene: ATM (ATM serine/threonine kinase; plus strand). Cytogenetic location: 11q22.3.
Variant type: Deletion.
Coding change: c.3216del on transcript NM_000051.4 (MANE Select); coding-DNA position 3216, one base deleted (A; older notation c.3216delA).
Protein change: p.Val1073fs; shifts the reading frame from valine 1073.
Molecular consequence: frameshift variant.
Genome position (GRCh38, 1-based): chr11:108,272,784, A deleted; the last of 2 consecutive A bases (chr11:108,272,783-108,272,784); deleting either gives the same sequence. VCF-style (leftmost placement, unchanged base first): chr11-108272782-GA-G. GRCh37 (hg19) VCF-style: chr11-108143509-GA-G.
Other names: c.3216del, p.Val1073fs (NM_001351834.2); short protein forms V1073fs.
Identifiers: ClinVar variation 1068555 (VCV001068555.7), dbSNP rs2135571457, ClinGen allele CA2499220609.
Genomic context (GRCh38, chr11:108,272,782, plus strand): 5'-GCTGATCCTTATTCAAAATGGGCCATTCTTAATGTAATGGGAAAAGACTTTCCTGTAAAT[GA>G]AGTATTTACACAATTTCTTGCTGACAATCATCACCAAGTTCGCATGTTGGCTGCAGAGTC-3'

ClinVar aggregate classification (germline): Pathogenic (1 of 4 stars; one submission).

Conditions:
Ataxia-telangiectasia syndrome (AT). Also called: LOUIS-BAR SYNDROME; Ataxia-telangiectasia, complementation group D; AT, COMPLEMENTATION GROUP C; Cerebello-oculocutaneous telangiectasia; Immunodeficiency with ataxia telangiectasia; ATAXIA-TELANGIECTASIA, COMPLEMENTATION GROUP A. Identifiers: Orphanet 100, MedGen C0004135, MONDO:0008840, OMIM 208900.

Submission:

Labcorp Genetics (formerly Invitae), Labcorp
Classification: Pathogenic for Ataxia-telangiectasia syndrome. Last evaluated: 2021-06-05. Review status: criteria provided, single submitter. Criteria: Invitae Variant Classification Sherloc (09022015). Collection method: clinical testing. Allele origin: germline.
Comment: This sequence change creates a premature translational stop signal (p.Val1073Tyrfs*36) in the ATM gene. It is expected to result in an absent or disrupted protein product. Loss-of-function variants in ATM are known to be pathogenic (PMID: 23807571, 25614872). This variant is not present in population databases (ExAC no frequency). This variant has not been reported in the literature in individuals with ATM-related conditions. ClinVar contains an entry for this variant (Variation ID: 1068555). For these reasons, this variant has been classified as Pathogenic.

Literature cited by the submitters: PubMed 23807571; PubMed 25614872.